The following is an entry in ClinVar:

NM_015512.5(DNAH1):c.11651G>A (p.Arg3884His)

Gene: DNAH1 (dynein axonemal heavy chain 1; plus strand). Cytogenetic location: 3p21.1.
Variant type: single nucleotide variant.
Coding change: c.11651G>A on transcript NM_015512.5 (MANE Select); coding-DNA position 11651, G replaced by A.
Protein change: p.Arg3884His; replaces arginine 3884 with histidine.
Molecular consequence: missense variant.
Genome position (GRCh38, 1-based): chr3:52,396,908, G>A. VCF-style: chr3-52396908-G-A. GRCh37 (hg19) VCF-style: chr3-52430924-G-A.
Other names: c.11651G>A (NM_015512.4); short protein forms R3884H.
Identifiers: ClinVar variation 2072091 (VCV002072091.4), dbSNP rs755706217, ClinGen allele CA2436245.

ClinVar aggregate classification (germline): Uncertain significance. Review status: criteria provided, multiple submitters, no conflicts (2 of 4 stars). 2 submissions from 2 submitters: Uncertain significance (2). Last evaluated 2024-09-30.

Conditions:
Spermatogenic failure 18. Identifiers: MedGen C4539783, MONDO:0054615, OMIM 617576.
Ciliary dyskinesia, primary, 37 (CILD37). Also called: CILIARY DYSKINESIA, PRIMARY, 37, WITH OR WITHOUT SITUS INVERSUS. Identifiers: MedGen C4539798, MONDO:0033204, OMIM 617577.

Allele frequency attached by ClinVar (database versions not stated): TOPMed 0.00002; ExAC 0.00003; gnomAD exomes 0.00003; gnomAD 0.00004.
gnomAD v4.1: 43 of 1,596,428 alleles (0.0027%); highest among the groups gnomAD compares: Non-Finnish European, 0.0031%; no homozygotes.

Submissions (2):

Labcorp Genetics (formerly Invitae), Labcorp
Classification: Uncertain significance for Ciliary dyskinesia, primary, 37; Spermatogenic failure 18. Last evaluated: 2024-09-30. Review status: criteria provided, single submitter. Criteria: Invitae Variant Classification Sherloc (09022015). Collection method: clinical testing. Allele origin: germline.
Comment: This sequence change replaces arginine, which is basic and polar, with histidine, which is basic and polar, at codon 3884 of the DNAH1 protein (p.Arg3884His). This variant is present in population databases (rs755706217, gnomAD 0.007%). This variant has not been reported in the literature in individuals affected with DNAH1-related conditions. ClinVar contains an entry for this variant (Variation ID: 2072091). An algorithm developed to predict the effect of missense changes on protein structure and function (PolyPhen-2) suggests that this variant is likely to be disruptive. In summary, the available evidence is currently insufficient to determine the role of this variant in disease. Therefore, it has been classified as a Variant of Uncertain Significance.

Ambry Genetics
Classification: Uncertain significance. Last evaluated: 2023-10-10. Review status: criteria provided, single submitter. Criteria: Ambry Variant Classification Scheme 2023. Collection method: clinical testing. Allele origin: germline.